The following is an entry in ClinVar:

ClinVar aggregate classification (germline): Uncertain significance (1 of 4 stars; one submission).

Allele frequency attached by ClinVar (database versions not stated): gnomAD 0.00010; TOPMed 0.00012; ESP Exome Variant Server 0.00038.
gnomAD v4.1: 348 of 1,613,998 alleles (0.022%); highest among the groups gnomAD compares: Non-Finnish European, 0.029%; 1 homozygote.

Submission:

Labcorp Genetics (formerly Invitae), Labcorp
Classification: Uncertain significance. Last evaluated: 2024-10-15. Review status: criteria provided, single submitter. Criteria: Invitae Variant Classification Sherloc (09022015). Collection method: clinical testing. Allele origin: germline.
Comment: This sequence change replaces asparagine, which is neutral and polar, with serine, which is neutral and polar, at codon 469 of the NRIP1 protein (p.Asn469Ser). This variant is present in population databases (rs146895033, gnomAD 0.03%). This variant has not been reported in the literature in individuals affected with NRIP1-related conditions. An algorithm developed to predict the effect of missense changes on protein structure and function (PolyPhen-2) suggests that this variant is likely to be disruptive. In summary, the available evidence is currently insufficient to determine the role of this variant in disease. Therefore, it has been classified as a Variant of Uncertain Significance.

NM_003489.4(NRIP1):c.1406A>G (p.Asn469Ser)

Gene: NRIP1 (nuclear receptor interacting protein 1; minus strand). Cytogenetic location: 21q11.2.
Variant type: single nucleotide variant.
Coding change: c.1406A>G on transcript NM_003489.4 (MANE Select); coding-DNA position 1406, A replaced by G.
Protein change: p.Asn469Ser; replaces asparagine 469 with serine.
Molecular consequence: missense variant.
Genome position (GRCh38, 1-based): chr21:14,966,787, T>C on the plus strand (A>G on the coding strand, the complement: NRIP1 is on the minus strand). VCF-style: chr21-14966787-T-C. GRCh37 (hg19) VCF-style: chr21-16339108-T-C.
Other names: short protein forms N469S.
Identifiers: ClinVar variation 2896918 (VCV002896918.3), dbSNP rs146895033, ClinGen allele CA9981342.
Genomic context (GRCh38, chr21:14,966,787, plus strand): 5'-TTCTTTGAGGTATCTTGATCTTCTTTGATATCTACATCTGGGACTTTTGGATCCCAAGTG[T>C]TTAGCAAGGATTGAGTGAAGTTATCCAGGGAAACAGGTTGGTCAGATTCTGATTTTTCAG-3'
Protein context (NP_003480.2, residues 459-479): SLDNFTQSLL[Asn469Ser]TWDPKVPDVD